The following is an entry in ClinVar:

NC_000023.10:g.(?_119576434)_(119603024_?)del

Gene: LAMP2 (lysosome associated membrane protein 2; minus strand). Cytogenetic location: Xq24.
Variant type: Deletion.
Identifiers: ClinVar variation 3244072 (VCV003244072.1).

ClinVar aggregate classification (germline): Pathogenic (1 of 4 stars; one submission).

Conditions:
Danon disease. Also called: ANTOPOL DISEASE; PSEUDOGLYCOGENOSIS II; GSD IIb; LYSOSOMAL GLYCOGEN STORAGE DISEASE WITHOUT ACID MALTASE DEFICIENCY; Glycogen Storage Disease Type IIb. Identifiers: Orphanet 34587, MedGen C0878677, MONDO:0010281, OMIM 300257.

Submission:

Labcorp Genetics (formerly Invitae), Labcorp
Classification: Pathogenic for Danon disease. Last evaluated: 2023-02-25. Review status: criteria provided, single submitter. Criteria: Invitae Variant Classification Sherloc (09022015). Collection method: clinical testing. Allele origin: unknown.
Comment: For these reasons, this variant has been classified as Pathogenic. This variant has not been reported in the literature in individuals affected with LAMP2-related conditions. This variant is a gross deletion of the genomic region encompassing exon(s) 1-7 of the LAMP2 gene, which includes the initiator codon. This deletion extends beyond the assayed region for this gene and therefore may encompass additional genes. It is expected to result in an absent or disrupted protein product. Loss-of-function variants in LAMP2 are known to be pathogenic (PMID: 21415759).

Literature cited by the submitters: PubMed 21415759.